The following is an entry in ClinVar:

NM_002029.4(FPR1):c.301G>C (p.Val101Leu)

Gene: FPR1 (formyl peptide receptor 1; minus strand). Cytogenetic location: 19q13.41.
Variant type: single nucleotide variant.
Coding change: c.301G>C on transcript NM_002029.4 (MANE Select); coding-DNA position 301, G replaced by C.
Protein change: p.Val101Leu; replaces valine 101 with leucine.
Molecular consequence: missense variant.
Genome position (GRCh38, 1-based): chr19:51,746,694, C>G on the plus strand (G>C on the coding strand, the complement: FPR1 is on the minus strand). VCF-style: chr19-51746694-C-G. GRCh37 (hg19) VCF-style: chr19-52249947-C-G.
Other names: c.301G>C, p.Val101Leu (NM_001193306.2); short protein forms V101L.
Identifiers: ClinVar variation 402878 (VCV000402878.17), dbSNP rs2070745, ClinGen allele CA9616489.

ClinVar aggregate classification (germline): Benign. Review status: criteria provided, multiple submitters, no conflicts (2 of 4 stars). 3 submissions from 3 submitters: Benign (3). Last evaluated 2026-02-04.

Conditions:
Gingival disorder. Also called: Gingival disease. Identifiers: MedGen C0017563, MONDO:0002021.

Allele frequency attached by ClinVar (database versions not stated): ESP Exome Variant Server 0.34323; gnomAD 0.36919; TOPMed 0.37454; 1000 Genomes Project 30x 0.39007; 1000 Genomes Project 0.39377.
gnomAD v4.1: 600,395 of 1,613,728 alleles (37%); highest among the groups gnomAD compares: Admixed American, 57%; 114,578 homozygotes.

Submissions (3):

Labcorp Genetics (formerly Invitae), Labcorp
Classification: Benign for Gingival disorder. Last evaluated: 2026-02-04. Review status: criteria provided, single submitter. Criteria: Invitae Variant Classification Sherloc (09022015). Collection method: clinical testing. Allele origin: germline.

Laboratory for Molecular Medicine, Mass General Brigham Personalized Medicine
Classification: Benign. Last evaluated: 2016-03-28. Review status: criteria provided, single submitter. Criteria: LMM Criteria. Collection method: clinical testing. Allele origin: germline.
Comment: Variant identified in a genome or exome case(s) and assessed due to predicted null impact of the variant or pathogenic assertions in the literature or databases. Disclaimer: This variant has not undergone full assessment. The following are preliminary notes: MAF

Breakthrough Genomics
Classification: Benign. Review status: criteria provided, single submitter. Criteria: ACMG Guidelines, 2015. Collection method: not provided. Allele origin: germline. Inheritance: Unknown mechanism. Affected: yes.